The following is an entry in ClinVar:

NM_002561.4(P2RX5):c.1194G>A (p.Ala398=)

Genes: P2RX5 (purinergic receptor P2X 5; minus strand), P2RX5-TAX1BP3 (P2RX5-TAX1BP3 readthrough (NMD candidate); minus strand). Cytogenetic location: 17p13.2.
Variant type: single nucleotide variant.
Coding change: c.1194G>A on transcript NM_002561.4 (MANE Select); coding-DNA position 1194, G replaced by A.
Protein change: p.Ala398=; no amino-acid change (alanine 398 retained).
Molecular consequence: synonymous variant. On other transcripts: non-coding transcript variant (1).
Genome position (GRCh38, 1-based): chr17:3,679,655, C>T on the plus strand (G>A on the coding strand, the complement: P2RX5 is on the minus strand). VCF-style: chr17-3679655-C-T. GRCh37 (hg19) VCF-style: chr17-3582949-C-T.
Other names: c.1191G>A, p.Ala397= (NM_001204519.2); c.1122G>A, p.Ala374= (NM_001204520.2); c.1119G>A, p.Ala373= (NM_175080.3).
Identifiers: ClinVar variation 2647236 (VCV002647236.24), dbSNP rs146599669, ClinGen allele CA8292416.

ClinVar aggregate classification (germline): Likely benign (1 of 4 stars; one submission).

Allele frequency attached by ClinVar (database versions not stated): ExAC 0.00002; gnomAD exomes 0.00003; TOPMed 0.00004; gnomAD 0.00005; ESP Exome Variant Server 0.00015.
gnomAD v4.1: 59 of 1,610,686 alleles (0.0037%); highest among the groups gnomAD compares: Middle Eastern, 0.033%; no homozygotes.

Submission:

CeGaT Center for Human Genetics Tuebingen
Classification: Likely benign. Last evaluated: 2023-05-01. Review status: criteria provided, single submitter. Criteria: CeGaT Center For Human Genetics Tuebingen Variant Classification Criteria Version 2. Collection method: clinical testing. Allele origin: germline. Affected: yes. Observed: 1 variant allele.
Comment: P2RX5: BP4, BP7